The following is an entry in ClinVar:

NM_020713.3(ZNF512B):c.957G>A (p.Pro319=)

Gene: ZNF512B (zinc finger protein 512B; minus strand). Cytogenetic location: 20q13.33.
Variant type: single nucleotide variant.
Coding change: c.957G>A on transcript NM_020713.3 (MANE Select); coding-DNA position 957, G replaced by A.
Protein change: p.Pro319=; no amino-acid change (proline 319 retained).
Molecular consequence: synonymous variant.
Genome position (GRCh38, 1-based): chr20:63,966,218, C>T on the plus strand (G>A on the coding strand, the complement: ZNF512B is on the minus strand). VCF-style: chr20-63966218-C-T. GRCh37 (hg19) VCF-style: chr20-62597571-C-T.
Identifiers: ClinVar variation 3035032 (VCV003035032.2), dbSNP rs139142804, ClinGen allele CA9971292.

ClinVar aggregate classification (germline): Benign (0 of 4 stars; one submission).

Conditions:
ZNF512B-related disorder. Also called: ZNF512B-related condition.

Allele frequency attached by ClinVar (database versions not stated): gnomAD exomes 0.00043; TOPMed 0.00101; gnomAD 0.00103; ExAC 0.00194; 1000 Genomes Project 30x 0.00718; 1000 Genomes Project 0.00799.
gnomAD v4.1: 866 of 1,613,946 alleles (0.054%); highest among the groups gnomAD compares: East Asian, 1.5%; 9 homozygotes.

Submission:

PreventionGenetics, part of Exact Sciences
Classification: Benign for ZNF512B-related condition. Last evaluated: 2019-03-27. Review status: no assertion criteria provided. Collection method: clinical testing. Allele origin: germline.
Comment: This variant is classified as benign based on ACMG/AMP sequence variant interpretation guidelines (Richards et al. 2015 PMID: 25741868, with internal and published modifications).